The following is an entry in ClinVar:

ClinVar aggregate classification (germline): Pathogenic (1 of 4 stars; one submission).

Submission:

Labcorp Genetics (formerly Invitae), Labcorp
Classification: Pathogenic. Last evaluated: 2022-02-04. Review status: criteria provided, single submitter. Criteria: Invitae Variant Classification Sherloc (09022015). Collection method: clinical testing. Allele origin: germline.
Comment: This variant is a gross deletion of the genomic region encompassing exon(s) 6 of the ABCA4 gene. This variant would be expected to be in-frame, preserving the integrity of the reading frame. This variant has not been reported in the literature in individuals affected with ABCA4-related conditions. This variant disrupts a region of the ABCA4 protein in which other variant(s) (p.Leu244Pro) have been determined to be pathogenic (PMID: 11527935, 18285826, 19074458). This suggests that this is a clinically significant region of the protein, and that variants that disrupt it are likely to be disease-causing. For these reasons, this variant has been classified as Pathogenic.

Literature cited by the submitters: PubMed 11527935; PubMed 18285826; PubMed 19074458.

NC_000001.10:g.(?_94564330)_(94564567_?)del

Gene: ABCA4 (ATP binding cassette subfamily A member 4; minus strand). Cytogenetic location: 1p22.1.
Variant type: Deletion.
Identifiers: ClinVar variation 1459654 (VCV001459654.5).